The following is an entry in ClinVar:

ClinVar aggregate classification (germline): Benign/Likely benign. Review status: criteria provided, multiple submitters, no conflicts (2 of 4 stars). 5 submissions from 5 submitters: Benign (1); Likely benign (4). Last evaluated 2026-01-01.

Conditions:
KMT2D-related disorder. Also called: KMT2D-Related Disorders.
Choanal atresia-athelia-hypothyroidism-delayed puberty-short stature syndrome (BCAHH). Also called: BRANCHIAL ARCH ABNORMALITIES, CHOANAL ATRESIA, ATHELIA, HEARING LOSS, AND HYPOTHYROIDISM SYNDROME. Identifiers: Orphanet 589856, MedGen C5680310, MONDO:0035651, OMIM 620186.
Kabuki syndrome 1 (KABUK1). Also called: KMT2D-Related Kabuki Syndrome. Identifiers: Orphanet 2322, MedGen CN030661, MONDO:0007843, OMIM 147920.
Kabuki syndrome. Also called: Kabuki make-up syndrome; NIIKAWA-KUROKI SYNDROME. Identifiers: Orphanet 2322, MedGen C0796004, MONDO:0016512.

Allele frequency attached by ClinVar (database versions not stated): gnomAD exomes 0.00003 and 0.00004; TOPMed 0.00003; gnomAD 0.00004; ExAC 0.00007; ESP Exome Variant Server 0.00008.

Submissions (5):

CeGaT Center for Human Genetics Tuebingen
Classification: Likely benign. Last evaluated: 2026-01-01. Review status: criteria provided, single submitter. Criteria: CeGaT Center For Human Genetics Tuebingen Variant Classification Criteria Version 2. Collection method: clinical testing. Allele origin: germline. Affected: yes. Observed: 1 variant allele.
Comment: KMT2D: BP4, BS2

Labcorp Genetics (formerly Invitae), Labcorp
Classification: Benign for Kabuki syndrome. Last evaluated: 2025-10-29. Review status: criteria provided, single submitter. Criteria: Invitae Variant Classification Sherloc (09022015). Collection method: clinical testing. Allele origin: germline.

PreventionGenetics, part of Exact Sciences
Classification: Likely benign for KMT2D-related condition. Last evaluated: 2025-01-03. Review status: criteria provided, single submitter. Criteria: ACMG Guidelines, 2015. Collection method: clinical testing. Allele origin: germline.
Comment: This variant is classified as likely benign based on ACMG/AMP sequence variant interpretation guidelines (Richards et al. 2015 PMID: 25741868, with internal and published modifications).

Fulgent Genetics
Classification: Likely benign for Kabuki syndrome 1; Choanal atresia-athelia-hypothyroidism-delayed puberty-short stature syndrome. Last evaluated: 2024-04-20. Review status: criteria provided, single submitter. Criteria: ACMG Guidelines, 2015. Collection method: clinical testing. Allele origin: germline.

GeneDx
Classification: Likely benign. Last evaluated: 2017-11-02. Review status: criteria provided, single submitter. Criteria: GeneDx Variant Classification (06012015). Collection method: clinical testing. Allele origin: germline. Affected: yes.
Comment: This variant is considered likely benign or benign based on one or more of the following criteria: it is a conservative change, it occurs at a poorly conserved position in the protein, it is predicted to be benign by multiple in silico algorithms, and/or has population frequency not consistent with disease.

NM_003482.4(KMT2D):c.13559C>T (p.Pro4520Leu)

Gene: KMT2D (lysine methyltransferase 2D; minus strand). Cytogenetic location: 12q13.12.
Variant type: single nucleotide variant.
Coding change: c.13559C>T on transcript NM_003482.4 (MANE Select); coding-DNA position 13559, C replaced by T.
Protein change: p.Pro4520Leu; replaces proline 4520 with leucine.
Molecular consequence: missense variant.
Genome position (GRCh38, 1-based): chr12:49,031,005, G>A on the plus strand (C>T on the coding strand, the complement: KMT2D is on the minus strand). VCF-style: chr12-49031005-G-A. GRCh37 (hg19) VCF-style: chr12-49424788-G-A.
Other names: short protein forms P4520L.
Identifiers: ClinVar variation 511309 (VCV000511309.12), dbSNP rs374531508, ClinGen allele CA6545977.